The following is an entry in ClinVar:

NM_015662.3(IFT172):c.3791A>T (p.Tyr1264Phe)

Genes: IFT172 (intraflagellar transport 172; minus strand), LOC126806173 (BRD4-independent group 4 enhancer GRCh37_chr2:27676057-27677256; plus strand). Cytogenetic location: 2p23.3.
Variant type: single nucleotide variant.
Coding change: c.3791A>T on transcript NM_015662.3 (MANE Select); coding-DNA position 3791, A replaced by T.
Protein change: p.Tyr1264Phe; replaces tyrosine 1264 with phenylalanine.
Molecular consequence: missense variant.
Genome position (GRCh38, 1-based): chr2:27,453,660, T>A on the plus strand (A>T on the coding strand, the complement: IFT172 is on the minus strand). VCF-style: chr2-27453660-T-A. GRCh37 (hg19) VCF-style: chr2-27676527-T-A.
Other names: c.3725A>T, p.Tyr1242Phe (NM_001410739.1); short protein forms Y1264F, Y1242F.
Identifiers: ClinVar variation 2114311 (VCV002114311.4), dbSNP rs2465832700, ClinGen allele CA346377926.

ClinVar aggregate classification (germline): Uncertain significance (1 of 4 stars; one submission).

Conditions:
Short-rib thoracic dysplasia 10 with or without polydactyly (SRTD10). Identifiers: Orphanet 474, MedGen C3810175, MONDO:0014284, OMIM 615630.
Retinitis pigmentosa 71 (RP71). Identifiers: Orphanet 791, MedGen C4225342, MONDO:0014618, OMIM 616394.

Submission:

Labcorp Genetics (formerly Invitae), Labcorp
Classification: Uncertain significance for Retinitis pigmentosa 71; Short-rib thoracic dysplasia 10 with or without polydactyly. Last evaluated: 2022-04-08. Review status: criteria provided, single submitter. Criteria: Invitae Variant Classification Sherloc (09022015). Collection method: clinical testing. Allele origin: germline.
Comment: This sequence change replaces tyrosine, which is neutral and polar, with phenylalanine, which is neutral and non-polar, at codon 1264 of the IFT172 protein (p.Tyr1264Phe). This variant is not present in population databases (gnomAD no frequency). This variant has not been reported in the literature in individuals affected with IFT172-related conditions. Algorithms developed to predict the effect of missense changes on protein structure and function (SIFT, PolyPhen-2, Align-GVGD) all suggest that this variant is likely to be tolerated. In summary, the available evidence is currently insufficient to determine the role of this variant in disease. Therefore, it has been classified as a Variant of Uncertain Significance.